The following is an entry in ClinVar:

NM_001378609.3(OTOGL):c.4209A>T (p.Gly1403=)

Gene: OTOGL (otogelin like; plus strand). Cytogenetic location: 12q21.31.
Variant type: single nucleotide variant.
Coding change: c.4209A>T on transcript NM_001378609.3 (MANE Select); coding-DNA position 4209, A replaced by T.
Protein change: p.Gly1403=; no amino-acid change (glycine 1403 retained).
Molecular consequence: synonymous variant.
Genome position (GRCh38, 1-based): chr12:80,328,674, A>T. VCF-style: chr12-80328674-A-T. GRCh37 (hg19) VCF-style: chr12-80722454-A-T.
Other names: c.4074A>T, p.Gly1358= (NM_001368062.3); c.4209A>T, p.Gly1403= (NM_001378610.3, NM_173591.7).
Identifiers: ClinVar variation 1311611 (VCV001311611.6), dbSNP rs747929635, ClinGen allele CA6701305.

ClinVar aggregate classification (germline): Conflicting classifications of pathogenicity. Review status: criteria provided, conflicting classifications (1 of 4 stars). 2 submissions from 2 submitters: Uncertain significance (1); Likely benign (1). Last evaluated 2022-08-11.

Allele frequency attached by ClinVar (database versions not stated): gnomAD exomes below 0.00001 and 0.00001; gnomAD 0.00001; TOPMed 0.00001; ExAC 0.00002.
gnomAD v4.1: 8 of 1,599,976 alleles (0.0005%); highest among the groups gnomAD compares: Non-Finnish European, 0.00069%; no homozygotes.

Submissions (2):

Labcorp Genetics (formerly Invitae), Labcorp
Classification: Likely benign. Last evaluated: 2022-08-11. Review status: criteria provided, single submitter. Criteria: Invitae Variant Classification Sherloc (09022015). Collection method: clinical testing. Allele origin: germline.

GeneDx
Classification: Uncertain significance. Last evaluated: 2019-12-26. Review status: criteria provided, single submitter. Criteria: GeneDx Variant Classification Process June 2021. Collection method: clinical testing. Allele origin: germline. Affected: yes.
Comment: Not observed at a significant frequency in large population cohorts (Lek et al., 2016); In silico analysis, which includes splice predictors and evolutionary conservation, supports that this variant does not alter protein structure/function; Has not been previously published as pathogenic or benign to our knowledge